The following is an entry in ClinVar:

NM_001165963.4(SCN1A):c.4970G>A (p.Arg1657His)

Genes: SCN1A (sodium voltage-gated channel alpha subunit 1; minus strand), LOC102724058 (uncharacterized LOC102724058; plus strand). Cytogenetic location: 2q24.3.
Variant type: single nucleotide variant.
Coding change: c.4970G>A on transcript NM_001165963.4 (MANE Select); coding-DNA position 4970, G replaced by A.
Protein change: p.Arg1657His; replaces arginine 1657 with histidine.
Molecular consequence: missense variant. On other transcripts: non-coding transcript variant (1).
Genome position (GRCh38, 1-based): chr2:165,992,305, C>T on the plus strand (G>A on the coding strand, the complement: SCN1A is on the minus strand). VCF-style: chr2-165992305-C-T. GRCh37 (hg19) VCF-style: chr2-166848815-C-T.
Other names: c.4886G>A, p.Arg1629His (NM_001165964.3, NM_001353957.2, NM_001353958.2); c.4970G>A, p.Arg1657His (NM_001202435.3, NM_001353948.2); c.4937G>A, p.Arg1646His (NM_001353949.2, NM_001353950.2, NM_001353951.2 and 2 more transcripts); c.4934G>A, p.Arg1645His (NM_001353954.2, NM_001353955.2); c.4883G>A, p.Arg1628His (NM_001353960.2); c.2528G>A, p.Arg843His (NM_001353961.2); short protein forms R1646H, R1657H, R1628H, R1629H, R843H, R1645H.
Identifiers: ClinVar variation 68559 (VCV000068559.15), dbSNP rs121917994, ClinGen allele CA145256.
Genomic context (GRCh38, chr2:165,992,305, plus strand): 5'-AGTAGGAGGCCGATGTTAAACAACGCAGGAAGGGACATCATCAAAGCAAAGAGCAGCGTG[C>T]GGATCCCCTTTGCTCCTTTGATCAGACGTAGGATTCGGCCAATCCTAGCAAGACGGATCA-3'
Protein context (NP_001159435.1, residues 1647-1667): LRLIKGAKGI[Arg1657His]TLLFALMMSL

ClinVar aggregate classification (germline): Pathogenic/Likely pathogenic. Review status: criteria provided, multiple submitters, no conflicts (2 of 4 stars). 7 submissions from 7 submitters: Pathogenic (3); Likely pathogenic (2). 2 of the submissions do not count toward it. Last evaluated 2026-08-05.

Conditions:
SCN1A Seizure Disorders. Identifiers: MedGen CN381098.
Developmental and epileptic encephalopathy 6B. Also called: Developmental and epileptic encephalopathy 6B, non-Dravet. Identifiers: MedGen C5543353, MONDO:0030268, OMIM 619317.
Autism (AUTS). Also called: Autistic disorder; Autistic disorder of childhood onset. Identifiers: MedGen C0004352, MeSH D001321, MONDO:0005260, OMIM 209850, HP:0000717.
Microcephaly. Also called: Microcephaly (disease). Identifiers: MedGen C4551563, MONDO:0001149, HP:0000252.
Focal-onset seizure. Also called: Focal seizures. Identifiers: MedGen C0751495, HP:0007359.
Focal epilepsy. Also called: partial epilepsy. Identifiers: MedGen C0014547, MeSH D004828, MONDO:0005384.
Generalized epilepsy with febrile seizures plus, type 2 (GEFSP2). Also called: GEFS+, TYPE 2. Identifiers: Orphanet 36387, MedGen C1858673, MONDO:0011461, OMIM 604403.
Early-infantile DEE. Also called: Ohtahara syndrome; Early infantile epileptic encephalopathy with suppression bursts; Early infantile epileptic encephalopathy. Identifiers: Orphanet 1934, MedGen C0393706, MONDO:0800491.

Submissions (7):

Clinical Genetics Laboratory, Skane University Hospital Lund
Classification: Pathogenic for SCN1A Seizure Disorders. Last evaluated: 2026-08-05. Review status: criteria provided, single submitter. Criteria: ACMG Guidelines, 2015. Collection method: clinical testing. Allele origin: germline. Affected: yes.
Comment: ACMG criteria used: PS4, PM1, PM2_Supporting, PM5, PP3_Moderate

Labcorp Genetics (formerly Invitae), Labcorp
Classification: Pathogenic for Early-infantile DEE. Last evaluated: 2024-10-07. Review status: criteria provided, single submitter. Criteria: Invitae Variant Classification Sherloc (09022015). Collection method: clinical testing. Allele origin: germline.
Comment: This sequence change replaces arginine, which is basic and polar, with histidine, which is basic and polar, at codon 1657 of the SCN1A protein (p.Arg1657His). This variant is not present in population databases (gnomAD no frequency). This missense change has been observed in individual(s) with early onset epilepsy and/or neurological and developmental disorders (PMID: 17347258, 32581362). In at least one individual the variant was observed to be de novo. ClinVar contains an entry for this variant (Variation ID: 68559). Invitae Evidence Modeling of protein sequence and biophysical properties (such as structural, functional, and spatial information, amino acid conservation, physicochemical variation, residue mobility, and thermodynamic stability) indicates that this missense variant is expected to disrupt SCN1A protein function with a positive predictive value of 95%. This variant disrupts the p.Arg1657 amino acid residue in SCN1A. Other variant(s) that disrupt this residue have been observed in individuals with SCN1A-related conditions (PMID: 14672992), which suggests that this may be a clinically significant amino acid residue. For these reasons, this variant has been classified as Pathogenic.

Institute of Human Genetics, University of Leipzig Medical Center
Classification: Pathogenic for Generalized epilepsy with febrile seizures plus, type 2. Last evaluated: 2024-08-21. Review status: criteria provided, single submitter. Criteria: ACMG Guidelines, 2015. Collection method: clinical testing. Allele origin: unknown. Inheritance: Autosomal dominant inheritance. Affected: yes.
Comment: Criteria applied: PS1,PM5_STR,PS4_MOD,PM1,PM2,PP3

3billion
Classification: Likely pathogenic for Developmental and epileptic encephalopathy 6B. Last evaluated: 2024-07-30. Review status: criteria provided, single submitter. Criteria: ACMG Guidelines, 2015. Collection method: clinical testing. Allele origin: germline. Affected: yes.
Comment: The variant is not observed in the gnomAD v4.0.0 dataset. Predicted Consequence/Location: The variant is located in a mutational hot spot and/or well-established functional domain in which established pathogenic variants have been reported. In silico tool predictions suggest damaging effect of the variant on gene or gene product [REVEL: 0.98 (>=0.6, sensitivity 0.68 and specificity 0.92); 3Cnet: 0.99 (>=0.6, sensitivity 0.72 and precision 0.9)]. The same nucleotide change resulting in the same amino acid change has been previously reported to be associated with SCN1A-related disorder (ClinVar ID: VCV000068559 /PMID: 17347258).Different missense changes at the same codon (p.Arg1657Cys, p.Arg1657Leu, p.Arg1657Ser) have been reported as pathogenic/likely pathogenic with strong evidence (ClinVar ID: VCV000068642, VCV002718059, VCV002822596 /PMID: 14672992). Therefore, this variant is classified as Likely pathogenic according to the recommendation of ACMG/AMP guideline.

GeneDx
Classification: Likely pathogenic. Last evaluated: 2024-05-13. Review status: criteria provided, single submitter. Criteria: GeneDx Variant Classification Process June 2021. Collection method: clinical testing. Allele origin: germline. Affected: yes.
Comment: Not observed in large population cohorts (gnomAD); In silico analysis supports that this missense variant has a deleterious effect on protein structure/function; This substitution is predicted to be within the intracellular loop between the S4 and S5 transmembrane segments of the fourth homologous domain; This variant is associated with the following publications: (PMID: 33238377, 35918039, 32581362, 35074891, 21719429, 17347258, 37541188, 16380441, 14672992)

NIHR Bioresource Rare Diseases, University of Cambridge
Classification: Likely pathogenic for Focal-onset seizure; Microcephaly; Autism. Review status: no assertion criteria provided. Collection method: research. Allele origin: unknown. Affected: yes. Observed: 1 variant allele. Not counted in ClinVar's aggregate classification.

UniProtKB/Swiss-Prot
No classification provided. Review status: no classification provided. Collection method: not provided. Allele origin: unknown. Not counted in ClinVar's aggregate classification.

Literature cited by the submitters: PubMed 17347258 (cited by Labcorp Genetics (formerly Invitae), Labcorp and 3billion); PubMed 32581362 (cited by Labcorp Genetics (formerly Invitae), Labcorp and NIHR Bioresource Rare Diseases, University of Cambridge); PubMed 14672992 (cited by Labcorp Genetics (formerly Invitae), Labcorp and 3billion).